The following is an entry in ClinVar:

NM_005993.5(TBCD):c.1810C>T (p.Pro604Ser)

Gene: TBCD (tubulin folding cofactor D). Cytogenetic location: 17q25.3.
Variant type: single nucleotide variant.
Coding change: c.1810C>T on transcript NM_005993.5 (MANE Select); coding-DNA position 1810, C replaced by T.
Protein change: p.Pro604Ser; replaces proline 604 with serine.
Molecular consequence: missense variant.
Genome position (GRCh38, 1-based): chr17:82,905,941, C>T. VCF-style: chr17-82905941-C-T. GRCh37 (hg19) VCF-style: chr17-80863817-C-T.
Other names: c.1759C>T, p.Pro587Ser (NM_001411101.1); c.1729C>T, p.Pro577Ser (NM_001411102.1); c.1810C>T (NM_005993.4); short protein forms P587S, P577S, P604S.
Identifiers: ClinVar variation 2060044 (VCV002060044.6), dbSNP rs575721383, ClinGen allele CA8862789.

ClinVar aggregate classification (germline): Benign. Review status: criteria provided, single submitter (1 of 4 stars). 2 submissions from 2 submitters: Benign (1). 1 of the submissions does not count toward it. Last evaluated 2025-12-11.

Conditions:
TBCD-related disorder. Also called: TBCD-related condition.

Allele frequency attached by ClinVar (database versions not stated): gnomAD exomes 0.00015; TOPMed 0.00026; gnomAD 0.00029; 1000 Genomes Project 30x 0.00094; 1000 Genomes Project 0.00100.
gnomAD v4.1: 259 of 1,610,928 alleles (0.016%); highest among the groups gnomAD compares: East Asian, 0.55%; 2 homozygotes.

Submissions (2):

Labcorp Genetics (formerly Invitae), Labcorp
Classification: Benign. Last evaluated: 2025-12-11. Review status: criteria provided, single submitter. Criteria: Invitae Variant Classification Sherloc (09022015). Collection method: clinical testing. Allele origin: germline.

PreventionGenetics, part of Exact Sciences
Classification: Benign for TBCD-related condition. Last evaluated: 2019-05-23. Review status: no assertion criteria provided. Collection method: clinical testing. Allele origin: germline. Not counted in ClinVar's aggregate classification.
Comment: This variant is classified as benign based on ACMG/AMP sequence variant interpretation guidelines (Richards et al. 2015 PMID: 25741868, with internal and published modifications).